The following is an entry in ClinVar:

ClinVar aggregate classification (germline): Likely benign. Review status: criteria provided, single submitter (1 of 4 stars). 2 submissions from 2 submitters: Likely benign (1). 1 of the submissions does not count toward it. Last evaluated 2022-11-01.

Conditions:
PTPRT-related disorder. Also called: PTPRT-related condition.

Allele frequency attached by ClinVar (database versions not stated): 1000 Genomes Project 30x 0.00234; 1000 Genomes Project 0.00240; TOPMed 0.00266; ESP Exome Variant Server 0.00410; gnomAD 0.00434; gnomAD exomes 0.00479; ExAC 0.00693.
gnomAD v4.1: 7,618 of 1,614,014 alleles (0.47%); highest among the groups gnomAD compares: Non-Finnish European, 0.49%; 46 homozygotes.

Submissions (2):

CeGaT Center for Human Genetics Tuebingen
Classification: Likely benign. Last evaluated: 2022-11-01. Review status: criteria provided, single submitter. Criteria: CeGaT Center For Human Genetics Tuebingen Variant Classification Criteria Version 2. Collection method: clinical testing. Allele origin: germline. Affected: yes. Observed: 1 variant allele.
Comment: PTPRT: PP2, BS2

PreventionGenetics, part of Exact Sciences
Classification: Benign for PTPRT-related condition. Last evaluated: 2019-03-22. Review status: no assertion criteria provided. Collection method: clinical testing. Allele origin: germline. Not counted in ClinVar's aggregate classification.
Comment: This variant is classified as benign based on ACMG/AMP sequence variant interpretation guidelines (Richards et al. 2015 PMID: 25741868, with internal and published modifications).

NM_007050.6(PTPRT):c.2281C>G (p.Leu761Val)

Gene: PTPRT (protein tyrosine phosphatase receptor type T; minus strand). Cytogenetic location: 20q12.
Variant type: single nucleotide variant.
Coding change: c.2281C>G on transcript NM_007050.6 (MANE Select); coding-DNA position 2281, C replaced by G.
Protein change: p.Leu761Val; replaces leucine 761 with valine.
Molecular consequence: missense variant.
Genome position (GRCh38, 1-based): chr20:42,248,718, G>C on the plus strand (C>G on the coding strand, the complement: PTPRT is on the minus strand). VCF-style: chr20-42248718-G-C. GRCh37 (hg19) VCF-style: chr20-40877358-G-C.
Other names: c.2338C>G (NM_133170.3); c.2281C>G, p.Leu761Val (NM_001394024.1, NM_001394026.1); c.2338C>G, p.Leu780Val (NM_001394025.1, NM_133170.4); short protein forms L761V, L780V.
Identifiers: ClinVar variation 2652340 (VCV002652340.25), dbSNP rs143630572, ClinGen allele CA9864326.